The following is an entry in ClinVar:

NM_182542.3(ERICH6B):c.216G>A (p.Glu72=)

Gene: ERICH6B (glutamate rich 6B; minus strand). Cytogenetic location: 13q14.13.
Variant type: single nucleotide variant.
Coding change: c.216G>A on transcript NM_182542.3 (MANE Select); coding-DNA position 216, G replaced by A.
Protein change: p.Glu72=; no amino-acid change (glutamic acid 72 retained).
Molecular consequence: synonymous variant.
Genome position (GRCh38, 1-based): chr13:45,596,790, C>T on the plus strand (G>A on the coding strand, the complement: ERICH6B is on the minus strand). VCF-style: chr13-45596790-C-T. GRCh37 (hg19) VCF-style: chr13-46170925-C-T.
Identifiers: ClinVar variation 2643804 (VCV002643804.24), dbSNP rs188748256, ClinGen allele CA6973086.
Genomic context (GRCh38, chr13:45,596,790, plus strand): 5'-CAGATGCTCTTCCTTCCCCAGATACTCTTCCTCCTTCAAGTATTCTTCTTTCCCCAGATA[C>T]TCTTCCTCTTCCAGATCCTCTTCCTCCTCCAGATACTCTTTGTCCTCCAGAGACTCTCCC-3'
Protein context (NP_872348.2, residues 62-82): LEEEEDLEEE[Glu72=]YLGKEEYLKE

ClinVar aggregate classification (germline): Likely benign (1 of 4 stars; one submission).

Allele frequency attached by ClinVar (database versions not stated): 1000 Genomes Project 30x 0.00047; 1000 Genomes Project 0.00060; ESP Exome Variant Server 0.00131; ExAC 0.00164.
gnomAD v4.1: 6,858 of 1,551,806 alleles (0.44%); highest among the groups gnomAD compares: Non-Finnish European, 0.55%; 12 homozygotes.

Submission:

CeGaT Center for Human Genetics Tuebingen
Classification: Likely benign. Last evaluated: 2023-03-01. Review status: criteria provided, single submitter. Criteria: CeGaT Center For Human Genetics Tuebingen Variant Classification Criteria Version 2. Collection method: clinical testing. Allele origin: germline. Affected: yes. Observed: 1 variant allele.
Comment: ERICH6B: BP4, BP7